The following is an entry in ClinVar:

ClinVar aggregate classification (germline): Conflicting classifications of pathogenicity. Review status: criteria provided, conflicting classifications (1 of 4 stars). 5 submissions from 5 submitters: Uncertain significance (1); Benign (2); Likely benign (2). Last evaluated 2026-01-27.

Conditions:
Troyer syndrome (SPG20). Identifiers: Orphanet 101000, MedGen C0393559, MONDO:0010156, OMIM 275900.

Allele frequency attached by ClinVar (database versions not stated): gnomAD exomes 0.00015 and 0.00045; ExAC 0.00058; gnomAD 0.00159 and 0.00165; TOPMed 0.00182; ESP Exome Variant Server 0.00200; 1000 Genomes Project 30x 0.00219; 1000 Genomes Project 0.00220.
gnomAD v4.1: 485 of 1,614,042 alleles (0.03%); highest among the groups gnomAD compares: African/African-American, 0.54%; 3 homozygotes.

Submissions (5):

Labcorp Genetics (formerly Invitae), Labcorp
Classification: Benign. Last evaluated: 2026-01-27. Review status: criteria provided, single submitter. Criteria: Invitae Variant Classification Sherloc (09022015). Collection method: clinical testing. Allele origin: germline.

CeGaT Center for Human Genetics Tuebingen
Classification: Likely benign. Last evaluated: 2025-10-01. Review status: criteria provided, single submitter. Criteria: CeGaT Center For Human Genetics Tuebingen Variant Classification Criteria Version 2. Collection method: clinical testing. Allele origin: germline. Affected: yes. Observed: 3 variant alleles.
Comment: SPART: BP4, BP7

Blueprint Genetics
Classification: Likely benign. Last evaluated: 2024-07-02. Review status: criteria provided, single submitter. Criteria: ACMG Guidelines, 2015. Collection method: clinical testing. Allele origin: germline.

Illumina Laboratory Services, Illumina
Classification: Uncertain significance for Troyer syndrome. Last evaluated: 2018-01-13. Review status: criteria provided, single submitter. Criteria: ICSL Variant Classification Criteria 13 December 2019. Collection method: clinical testing. Allele origin: germline.

Athena Diagnostics
Classification: Benign. Last evaluated: 2018-01-03. Review status: criteria provided, single submitter. Criteria: Athena Diagnostics Criteria. Collection method: clinical testing. Allele origin: germline.

NM_015087.5(SPART):c.1155T>G (p.Arg385=)

Gene: SPART (spartin; minus strand). Cytogenetic location: 13q13.3.
Variant type: single nucleotide variant.
Coding change: c.1155T>G on transcript NM_015087.5 (MANE Select); coding-DNA position 1155, T replaced by G.
Protein change: p.Arg385=; no amino-acid change (arginine 385 retained).
Molecular consequence: synonymous variant.
Genome position (GRCh38, 1-based): chr13:36,329,371, A>C on the plus strand (T>G on the coding strand, the complement: SPART is on the minus strand). VCF-style: chr13-36329371-A-C. GRCh37 (hg19) VCF-style: chr13-36903508-A-C.
Other names: c.1155T>G, p.Arg385= (NM_001142294.2, NM_001142295.2, NM_001142296.2).
Identifiers: ClinVar variation 240962 (VCV000240962.43), dbSNP rs140222511, ClinGen allele CA6949481.